The following is an entry in ClinVar:

ClinVar aggregate classification (germline): Conflicting classifications of pathogenicity. Review status: criteria provided, conflicting classifications (1 of 4 stars). 3 submissions from 3 submitters: Uncertain significance (2); Likely benign (1). Last evaluated 2025-12-19.

Conditions:
Cardiovascular phenotype. Identifiers: MedGen CN230736.
Myofibrillar myopathy 5. Also called: Filaminopathy (type); FILAMINOPATHY, AUTOSOMAL DOMINANT. Identifiers: Orphanet 171445, MedGen C1836050, MONDO:0012289, OMIM 609524.
Hypertrophic cardiomyopathy 26. Also called: Cardiomyopathy, familial hypertrophic, 26. Identifiers: Orphanet 75249, MedGen C4310749, MONDO:0014883, OMIM 617047.
Distal myopathy with posterior leg and anterior hand involvement. Also called: WILLIAMS DISTAL MYOPATHY. Identifiers: Orphanet 63273, MedGen C3279722, MONDO:0013550, OMIM 614065.

Allele frequency attached by ClinVar (database versions not stated): gnomAD exomes below 0.00001 and 0.00001; gnomAD 0.00001; TOPMed 0.00002.
gnomAD v4.1: 11 of 1,612,430 alleles (0.00068%); highest among the groups gnomAD compares: Non-Finnish European, 0.00093%; no homozygotes.

Submissions (3):

Labcorp Genetics (formerly Invitae), Labcorp
Classification: Uncertain significance for Distal myopathy with posterior leg and anterior hand involvement; Myofibrillar myopathy 5; Hypertrophic cardiomyopathy 26. Last evaluated: 2025-12-19. Review status: criteria provided, single submitter. Criteria: Invitae Variant Classification Sherloc (09022015). Collection method: clinical testing. Allele origin: germline.
Comment: This sequence change falls in intron 41 of the FLNC gene. It does not directly change the encoded amino acid sequence of the FLNC protein. It affects a nucleotide within the consensus splice site. This variant is present in population databases (no rsID available, gnomAD 0.002%). This variant has been observed in individual(s) with clinical features of dilated cardiomyopathy (internal data). ClinVar contains an entry for this variant (Variation ID: 569172). Variants that disrupt the consensus splice site are a relatively common cause of aberrant splicing (PMID: 17576681, 9536098). Algorithms developed to predict the effect of sequence changes on RNA splicing suggest that this variant is not likely to affect RNA splicing. In summary, the available evidence is currently insufficient to determine the role of this variant in disease. Therefore, it has been classified as a Variant of Uncertain Significance.

Blueprint Genetics
Classification: Likely benign. Last evaluated: 2023-10-10. Review status: criteria provided, single submitter. Criteria: ACMG Guidelines, 2015. Collection method: clinical testing. Allele origin: germline.

Ambry Genetics
Classification: Uncertain significance for Cardiovascular phenotype. Last evaluated: 2021-03-01. Review status: criteria provided, single submitter. Criteria: Ambry Variant Classification Scheme 2023. Collection method: clinical testing. Allele origin: germline.
Comment: The c.6997+4A>G intronic variant results from an A to G substitution 4 nucleotides after coding exon 41 in the FLNC gene. This nucleotide position is well conserved in available vertebrate species. In silico splice site analysis for this alteration is inconclusive. Since supporting evidence is limited at this time, the clinical significance of this alteration remains unclear.

Literature cited by the submitters: PubMed 17576681 (cited by Labcorp Genetics (formerly Invitae), Labcorp); PubMed 9536098 (cited by Labcorp Genetics (formerly Invitae), Labcorp).

NM_001458.5(FLNC):c.6997+4A>G

Genes: FLNC (filamin C; plus strand), FLNC-AS1 (FLNC antisense RNA 1; minus strand). Cytogenetic location: 7q32.1.
Variant type: single nucleotide variant.
Coding change: c.6997+4A>G on transcript NM_001458.5 (MANE Select); 4 bases into the intron after coding-DNA position 6997, A replaced by G.
Molecular consequence: intron variant.
Genome position (GRCh38, 1-based): chr7:128,854,686, A>G. VCF-style: chr7-128854686-A-G. GRCh37 (hg19) VCF-style: chr7-128494740-A-G.
Other names: c.6898+4A>G (NM_001127487.2).
Identifiers: ClinVar variation 569172 (VCV000569172.12), dbSNP rs1227552125, ClinGen allele CA578150654.